The following is an entry in ClinVar:

ClinVar aggregate classification (germline): Pathogenic (1 of 4 stars; one submission).

Conditions:
Familial cancer of breast. Also called: hereditary breast carcinoma; BREAST CANCER, FAMILIAL; Hereditary breast cancer. Identifiers: Orphanet 227535, MedGen C0346153, MONDO:0016419, OMIM 114480. Disease mechanism: loss of function.

Submission:

Myriad Genetics, Inc.
Classification: Pathogenic for Familial cancer of breast. Last evaluated: 2024-01-26. Review status: criteria provided, single submitter. Criteria: Myriad Autosomal Dominant, Autosomal Recessive and X-Linked Classification Criteria (2023). Collection method: clinical testing. Allele origin: unknown.
Comment: This variant is considered pathogenic. This variant creates a frameshift predicted to result in premature protein truncation.

NM_000051.4(ATM):c.5938_5939delinsA (p.Gly1980fs)

Genes: ATM (ATM serine/threonine kinase; plus strand), C11orf65 (chromosome 11 open reading frame 65; minus strand). Cytogenetic location: 11q22.3.
Variant type: Indel.
Coding change: c.5938_5939delinsA on transcript NM_000051.4 (MANE Select); coding-DNA positions 5938 to 5939, GG replaced by A.
Protein change: p.Gly1980fs; shifts the reading frame from glycine 1980.
Molecular consequence: frameshift variant. On other transcripts: intron variant (2).
Genome position (GRCh38, 1-based): chr11:108,312,430-108,312,431, GG replaced by A. VCF-style: chr11-108312430-GG-A. GRCh37 (hg19) VCF-style: chr11-108183157-GG-A.
Other names: c.5938_5939delinsA, p.Gly1980fs (NM_001351834.2); c.641-3360_641-3359delinsT (NM_001330368.2); c.*39-3360_*39-3359delinsT (NM_001351110.2); short protein forms G1980fs.
Identifiers: ClinVar variation 3148106 (VCV003148106.1), dbSNP rs2547052584, ClinGen allele CA2825001926.
Genomic context (GRCh38, chr11:108,312,430, plus strand): 5'-TAGTATGTTCTCATTAAAAGAGGTGTTCTTGTGACAAACAGAAGTCTTGCATTTGAAGAA[GG>A]AAGCCAGAGTACAACTATTTCTAGCTTGAGTGAAAAAAGTAAAGAAGAAACTGGAATAAG-3'